The following is an entry in ClinVar:

ClinVar aggregate classification (germline): Likely pathogenic (0 of 4 stars; one submission).

Conditions:
Cardiac malformation, cleft lip/palate, microcephaly, and digital anomalies. Also called: CLEFT PALATE, CARDIAC DEFECTS, AND IMPAIRED INTELLECTUAL DEVELOPMENT. Identifiers: MedGen C1832950, MONDO:0010970, OMIM 600987.

Submission:

Solve-RD Consortium
Classification: Likely pathogenic for Cardiac malformation, cleft lip/palate, microcephaly, and digital anomalies. Last evaluated: 2024-06-01. Review status: no assertion criteria provided. Collection method: provider interpretation. Allele origin: de novo. Affected: yes.
Comment: This CNV was confirmed by the submitting clinician to impact a gene that corresponds with the phenotype of the affected individual, and thus deemed to be causative for their condition.

Literature cited by the submitters: PubMed 39825153.

GRCh37/hg19 15q14(chr15:37188738-37188988)x1

Gene: MEIS2 (Meis homeobox 2; minus strand). Cytogenetic location: 15q14.
Variant type: copy number loss.
Change: copy number 1 (one copy instead of two) of chr15:37,188,738-37,188,988 (0.3 kb, GRCh37 coordinates, 1-based), cytogenetic band 15q14.
Identifiers: ClinVar variation 3338472 (VCV003338472.1).